The following is an entry in ClinVar:

NM_005732.4(RAD50):c.2016G>A (p.Gln672=)

Gene: RAD50 (RAD50 double strand break repair protein; plus strand). Cytogenetic location: 5q31.1.
Variant type: single nucleotide variant.
Coding change: c.2016G>A on transcript NM_005732.4 (MANE Select); coding-DNA position 2016, G replaced by A.
Protein change: p.Gln672=; no amino-acid change (glutamine 672 retained).
Molecular consequence: synonymous variant.
Genome position (GRCh38, 1-based): chr5:132,595,619, G>A. VCF-style: chr5-132595619-G-A. GRCh37 (hg19) VCF-style: chr5-131931311-G-A.
Identifiers: ClinVar variation 482105 (VCV000482105.17), dbSNP rs1362511475, ClinGen allele CA446362867.

ClinVar aggregate classification (germline): Conflicting classifications of pathogenicity. Review status: criteria provided, conflicting classifications (1 of 4 stars). 3 submissions from 3 submitters: Uncertain significance (1); Likely benign (2). Last evaluated 2025-10-01.

Conditions:
Hereditary cancer-predisposing syndrome. Also called: Neoplastic Syndromes, Hereditary; Tumor predisposition; Hereditary Cancer Syndrome; Hereditary neoplastic syndrome. Identifiers: Orphanet 140162, MedGen C0027672, MeSH D009386, MONDO:0015356.

Allele frequency attached by ClinVar (database versions not stated): gnomAD exomes below 0.00001; TOPMed below 0.00001.
gnomAD v4.1: 3 of 1,614,074 alleles (0.00019%); highest among the groups gnomAD compares: Non-Finnish European, 0.00017%; no homozygotes.

Submissions (3):

Quest Diagnostics Nichols Institute San Juan Capistrano
Classification: Uncertain significance. Last evaluated: 2025-10-01. Review status: criteria provided, single submitter. Criteria: Quest Diagnostics criteria. Collection method: clinical testing. Allele origin: unknown.
Comment: The RAD50 c.2016G>A (p.Gln672=) synonymous variant has not been reported in individuals with RAD50-related conditions in the published literature. This variant has not been reported in large, multi-ethnic general populations (Genome Aggregation Database). Analysis of this variant using software algorithms for the prediction of the effect of nucleotide changes on splicing yielded predictions that this variant does not affect RAD50 mRNA splicing. Based on the available information, we are unable to determine the clinical significance of this variant.

Labcorp Genetics (formerly Invitae), Labcorp
Classification: Likely benign for Hereditary cancer-predisposing syndrome. Last evaluated: 2024-03-08. Review status: criteria provided, single submitter. Criteria: Invitae Variant Classification Sherloc (09022015). Collection method: clinical testing. Allele origin: germline.

Ambry Genetics
Classification: Likely benign for Hereditary cancer-predisposing syndrome. Last evaluated: 2016-04-13. Review status: criteria provided, single submitter. Criteria: Ambry Variant Classification Scheme 2023. Collection method: clinical testing. Allele origin: germline.